The following is an entry in ClinVar:

NM_000384.3(APOB):c.-79T>C

Genes: APOB (apolipoprotein B; minus strand), LOC106560211 (APOB 5' regulatory region; plus strand). Cytogenetic location: 2p24.1.
Variant type: single nucleotide variant.
Coding change: c.-79T>C on transcript NM_000384.3 (MANE Select); 79 bases upstream of the start codon, T replaced by C.
Molecular consequence: 5 prime UTR variant.
Genome position (GRCh38, 1-based): chr2:21,044,024, A>G on the plus strand (T>C on the coding strand, the complement: APOB is on the minus strand). VCF-style: chr2-21044024-A-G. GRCh37 (hg19) VCF-style: chr2-21266896-A-G.
Identifiers: ClinVar variation 899010 (VCV000899010.5), dbSNP rs535018963, ClinGen allele CA43470381.

ClinVar aggregate classification (germline): Conflicting classifications of pathogenicity. Review status: criteria provided, conflicting classifications (1 of 4 stars). 3 submissions from 2 submitters: Uncertain significance (1); Benign (2). Last evaluated 2023-07-21.

Conditions:
Hypercholesterolemia, autosomal dominant, type B (FHCL2). Also called: Hyperlipoproteinemia Type IIb; APOLIPOPROTEIN B-100, FAMILIAL DEFECTIVE; APOLIPOPROTEIN B-100, FAMILIAL LIGAND-DEFECTIVE; HYPERCHOLESTEROLEMIA, FAMILIAL, DUE TO LIGAND-DEFECTIVE APOLIPOPROTEIN B; APOB-Related Familial Hypercholesterolemia, Autosomal Dominant; Familial Hypercholesterolemia Type B. Identifiers: MedGen C1704417, MONDO:0007751, OMIM 144010.
Familial hypobetalipoproteinemia 1. Also called: APOB-Related Familial Hypobetalipoproteinemia; Hypobetalipoproteinemia, normotriglyceridemic; Acanthocytosis with hypobetalipoproteinemia. Identifiers: MedGen C4551990, MONDO:0014252, OMIM 615558.
Familial hypercholesterolemia. Also called: Familial hypercholesterolaemia; Familial hypercholesterolemias. Identifiers: MedGen C0020445, MONDO:0005439.

Allele frequency attached by ClinVar (database versions not stated): gnomAD exomes 0.00008; gnomAD 0.00035 and 0.00042; TOPMed 0.00042; 1000 Genomes Project 30x 0.00172.
gnomAD v4.1: 148 of 719,506 alleles (0.021%); highest among the groups gnomAD compares: East Asian, 0.37%; 2 homozygotes.

Submissions (3):

GENinCode PLC
Classification: Benign for Familial hypercholesterolemia. Last evaluated: 2023-07-21. Review status: criteria provided, single submitter. Criteria: ACMG Guidelines, 2015. Collection method: clinical testing. Allele origin: germline.

Illumina Laboratory Services, Illumina
Classification: Uncertain significance for Familial hypobetalipoproteinemia 1. Last evaluated: 2017-04-27. Review status: criteria provided, single submitter. Criteria: ICSL Variant Classification Criteria 13 December 2019. Collection method: clinical testing. Allele origin: germline.

Illumina Laboratory Services, Illumina
Classification: Benign for Hypercholesterolemia, autosomal dominant, type B. Last evaluated: 2017-04-27. Review status: criteria provided, single submitter. Criteria: ICSL Variant Classification Criteria 13 December 2019. Collection method: clinical testing. Allele origin: germline.
Comment: This variant was observed as part of a predisposition screen in an ostensibly healthy population. A literature search was performed for the gene, cDNA change, and amino acid change (where applicable). No publications were found based on this search. Allele frequency data from public databases was too high to be consistent with this variant causing disease. Therefore, this variant is classified as benign.